The following is an entry in ClinVar:

ClinVar aggregate classification (germline): Uncertain significance. Review status: criteria provided, multiple submitters, no conflicts (2 of 4 stars). 2 submissions from 2 submitters: Uncertain significance (2). Last evaluated 2025-06-08.

Conditions:
Inborn genetic diseases. Identifiers: MedGen C0950123, MeSH D030342.

gnomAD v4.1: 2 of 1,614,118 alleles (0.00012%); highest among the groups gnomAD compares: Non-Finnish European, 0.00017%; no homozygotes.

Submissions (2):

Ambry Genetics
Classification: Uncertain significance for Inborn genetic diseases. Last evaluated: 2025-06-08. Review status: criteria provided, single submitter. Criteria: Ambry Variant Classification Scheme 2023. Collection method: clinical testing. Allele origin: germline.
Comment: The p.R222S variant (also known as c.666G>C), located in coding exon 5 of the ETV6 gene, results from a G to C substitution at nucleotide position 666. The arginine at codon 222 is replaced by serine, an amino acid with dissimilar properties. This amino acid position is conserved. In addition, this alteration is predicted to be tolerated by in silico analysis. Based on the available evidence, the clinical significance of this variant remains unclear.

GeneDx
Classification: Uncertain significance. Last evaluated: 2023-05-31. Review status: criteria provided, single submitter. Criteria: GeneDx Variant Classification Process June 2021. Collection method: clinical testing. Allele origin: germline. Affected: yes.
Comment: Not observed at significant frequency in large population cohorts (gnomAD); In silico analysis supports that this missense variant does not alter protein structure/function; Has not been previously published as pathogenic or benign to our knowledge; This variant is associated with the following publications: (PMID: 28555414, 28637624)

NM_001987.5(ETV6):c.666G>C (p.Arg222Ser)

Gene: ETV6 (ETS variant transcription factor 6; plus strand). Cytogenetic location: 12p13.2.
Variant type: single nucleotide variant.
Coding change: c.666G>C on transcript NM_001987.5 (MANE Select); coding-DNA position 666, G replaced by C.
Protein change: p.Arg222Ser; replaces arginine 222 with serine.
Molecular consequence: missense variant.
Genome position (GRCh38, 1-based): chr12:11,869,626, G>C. VCF-style: chr12-11869626-G-C. GRCh37 (hg19) VCF-style: chr12-12022560-G-C.
Other names: c.663G>C, p.Arg221Ser (NM_001413913.1); c.639G>C, p.Arg213Ser (NM_001413914.1); c.402G>C, p.Arg134Ser (NM_001413915.1); c.666G>C, p.Arg222Ser (NM_001413916.1, NM_001413917.1); short protein forms R134S, R213S, R221S, R222S.
Identifiers: ClinVar variation 3359430 (VCV003359430.2).